The following is an entry in ClinVar:

ClinVar aggregate classification (germline): Uncertain significance (1 of 4 stars; one submission).

Allele frequency attached by ClinVar (database versions not stated): TOPMed 0.00001; gnomAD exomes 0.00002 and 0.00005; ExAC 0.00003.
gnomAD v4.1: 24 of 1,612,514 alleles (0.0015%); highest among the groups gnomAD compares: East Asian, 0.047%; no homozygotes.

Submission:

GeneDx
Classification: Uncertain significance. Last evaluated: 2019-11-06. Review status: criteria provided, single submitter. Criteria: GeneDx Variant Classification Process June 2021. Collection method: clinical testing. Allele origin: germline. Affected: yes.
Comment: Has not been previously published as pathogenic or benign to our knowledge; In silico analysis, which includes protein predictors and evolutionary conservation, supports a deleterious effect

NM_139119.3(YY1AP1):c.567A>T (p.Lys189Asn)

Gene: YY1AP1 (YY1 associated protein 1; minus strand). Cytogenetic location: 1q22.
Variant type: single nucleotide variant.
Coding change: c.567A>T on transcript NM_139119.3 (MANE Select); coding-DNA position 567, A replaced by T.
Protein change: p.Lys189Asn; replaces lysine 189 with asparagine.
Molecular consequence: missense variant.
Genome position (GRCh38, 1-based): chr1:155,672,576, T>A on the plus strand (A>T on the coding strand, the complement: YY1AP1 is on the minus strand). VCF-style: chr1-155672576-T-A. GRCh37 (hg19) VCF-style: chr1-155642367-T-A.
Other names: c.534A>T, p.Lys178Asn (NM_001198899.2, NM_001198900.2, NM_018253.4); c.567A>T, p.Lys189Asn (NM_001198901.2, NM_001198902.2, NM_001198905.2); c.981A>T, p.Lys327Asn (NM_001198903.1, NM_001198904.1); c.765A>T, p.Lys255Asn (NM_001198906.2, NM_139118.3); c.369A>T, p.Lys123Asn (NM_139121.3); short protein forms K123N, K178N, K189N, K255N, K327N.
Identifiers: ClinVar variation 1309755 (VCV001309755.2), dbSNP rs773128473, ClinGen allele CA1148772.